The following is an entry in ClinVar:

NM_001173990.3(TMEM216):c.301A>C (p.Met101Leu)

Gene: TMEM216 (transmembrane protein 216; plus strand). Cytogenetic location: 11q12.2.
Variant type: single nucleotide variant.
Coding change: c.301A>C on transcript NM_001173990.3 (MANE Select); coding-DNA position 301, A replaced by C.
Protein change: p.Met101Leu; replaces methionine 101 with leucine.
Molecular consequence: missense variant.
Genome position (GRCh38, 1-based): chr11:61,397,845, A>C. VCF-style: chr11-61397845-A-C. GRCh37 (hg19) VCF-style: chr11-61165317-A-C.
Other names: c.301A>C, p.Met101Leu (NM_001173991.3); c.118A>C, p.Met40Leu (NM_001330285.2, NM_016499.6); short protein forms M101L, M40L.
Identifiers: ClinVar variation 2042184 (VCV002042184.4), dbSNP rs2539896540, ClinGen allele CA380686147.

ClinVar aggregate classification (germline): Uncertain significance (1 of 4 stars; one submission).

Conditions:
Joubert syndrome. Also called: CEREBELLOPARENCHYMAL DISORDER IV; JOUBERT-BOLTSHAUSER SYNDROME; Familial aplasia of the vermis. Identifiers: Orphanet 475, MedGen C5979921, MONDO:0018772.

Submission:

Labcorp Genetics (formerly Invitae), Labcorp
Classification: Uncertain significance for Joubert syndrome. Last evaluated: 2021-12-13. Review status: criteria provided, single submitter. Criteria: Invitae Variant Classification Sherloc (09022015). Collection method: clinical testing. Allele origin: germline.
Comment: In summary, the available evidence is currently insufficient to determine the role of this variant in disease. Therefore, it has been classified as a Variant of Uncertain Significance. Algorithms developed to predict the effect of missense changes on protein structure and function output the following: SIFT: "Tolerated"; PolyPhen-2: "Benign"; Align-GVGD: "Class C0". The leucine amino acid residue is found in multiple mammalian species, which suggests that this missense change does not adversely affect protein function. This variant has not been reported in the literature in individuals affected with TMEM216-related conditions. This variant is not present in population databases (gnomAD no frequency). This sequence change replaces methionine, which is neutral and non-polar, with leucine, which is neutral and non-polar, at codon 101 of the TMEM216 protein (p.Met101Leu).